The following is an entry in ClinVar:

ClinVar aggregate classification (germline): Uncertain significance (1 of 4 stars; one submission).

Submission:

GeneDx
Classification: Uncertain significance. Last evaluated: 2024-11-10. Review status: criteria provided, single submitter. Criteria: GeneDx Variant Classification Process June 2021. Collection method: clinical testing. Allele origin: germline. Affected: yes.
Comment: Not observed at significant frequency in large population cohorts (gnomAD); In silico analysis indicates that this missense variant does not alter protein structure/function; Has not been previously published as pathogenic or benign to our knowledge

NM_004815.4(ARHGAP29):c.2365T>C (p.Trp789Arg)

Gene: ARHGAP29 (Rho GTPase activating protein 29; minus strand). Cytogenetic location: 1p22.1.
Variant type: single nucleotide variant.
Coding change: c.2365T>C on transcript NM_004815.4 (MANE Select); coding-DNA position 2365, T replaced by C.
Protein change: p.Trp789Arg; replaces tryptophan 789 with arginine.
Molecular consequence: missense variant.
Genome position (GRCh38, 1-based): chr1:94,179,840, A>G on the plus strand (T>C on the coding strand, the complement: ARHGAP29 is on the minus strand). VCF-style: chr1-94179840-A-G. GRCh37 (hg19) VCF-style: chr1-94645396-A-G.
Other names: c.2365T>C, p.Trp789Arg (NM_001328664.2); c.2173T>C, p.Trp725Arg (NM_001328665.2, NM_001328667.2); c.2338T>C, p.Trp780Arg (NM_001328666.2); short protein forms W725R, W780R, W789R.
Identifiers: ClinVar variation 3898771 (VCV003898771.1).